The following is an entry in ClinVar:

ClinVar aggregate classification (germline): Uncertain significance. Review status: criteria provided, multiple submitters, no conflicts (2 of 4 stars). 2 submissions from 2 submitters: Uncertain significance (2). Last evaluated 2025-09-18.

Conditions:
Cardiomyopathy (CMYO). Also called: Cardiomyopathies. Identifiers: Orphanet 167848, MedGen C0878544, MONDO:0004994, HP:0001638. Inheritance: Various modes of inheritance.

gnomAD v4.1: 1 of 1,614,184 alleles (0.000062%); highest among the groups gnomAD compares: Non-Finnish European, 0.000085%; no homozygotes.

Submissions (2):

Color Diagnostics, LLC DBA Color Health
Classification: Uncertain significance for Cardiomyopathy. Last evaluated: 2025-09-18. Review status: criteria provided, single submitter. Criteria: ACMG Guidelines, 2015. Collection method: clinical testing. Allele origin: germline.
Comment: This missense variant replaces threonine with serine at codon 420 of the DSG2 protein. Computational prediction suggests that this variant may not impact protein structure and function. To our knowledge, functional studies have not been reported for this variant. This variant has not been reported in individuals affected with DSG2-related disorders in the literature. This variant has not been identified in the general population by the Genome Aggregation Database (gnomAD). The available evidence is insufficient to determine the role of this variant in disease conclusively. Therefore, this variant is classified as a Variant of Uncertain Significance.

Blueprint Genetics
Classification: Uncertain significance. Last evaluated: 2022-09-16. Review status: criteria provided, single submitter. Criteria: ACMG Guidelines, 2015. Collection method: clinical testing. Allele origin: germline.

NM_001943.5(DSG2):c.1259C>G (p.Thr420Ser)

Gene: DSG2 (desmoglein 2; plus strand). Cytogenetic location: 18q12.1.
Variant type: single nucleotide variant.
Coding change: c.1259C>G on transcript NM_001943.5 (MANE Select); coding-DNA position 1259, C replaced by G.
Protein change: p.Thr420Ser; replaces threonine 420 with serine.
Molecular consequence: missense variant.
Genome position (GRCh38, 1-based): chr18:31,531,231, C>G. VCF-style: chr18-31531231-C-G. GRCh37 (hg19) VCF-style: chr18-29111194-C-G.
Other names: short protein forms T420S.
Identifiers: ClinVar variation 4756391 (VCV004756391.2).